The following is an entry in ClinVar:

ClinVar aggregate classification (germline): Uncertain significance. Review status: criteria provided, multiple submitters, no conflicts (2 of 4 stars). 2 submissions from 2 submitters: Uncertain significance (2). Last evaluated 2026-01-11.

Conditions:
DCHS1-related disorder. Also called: DCHS1-related condition.

Allele frequency attached by ClinVar (database versions not stated): ExAC 0.00002; gnomAD 0.00004; TOPMed 0.00005; 1000 Genomes Project 30x 0.00016; 1000 Genomes Project 0.00020.
gnomAD v4.1: 25 of 1,613,054 alleles (0.0015%); highest among the groups gnomAD compares: African/African-American, 0.012%; no homozygotes.

Submissions (2):

Labcorp Genetics (formerly Invitae), Labcorp
Classification: Uncertain significance. Last evaluated: 2026-01-11. Review status: criteria provided, single submitter. Criteria: Invitae Variant Classification Sherloc (09022015). Collection method: clinical testing. Allele origin: germline.
Comment: This sequence change replaces arginine, which is basic and polar, with tryptophan, which is neutral and slightly polar, at codon 2070 of the DCHS1 protein (p.Arg2070Trp). This variant is present in population databases (rs187538545, gnomAD 0.01%). This variant has not been reported in the literature in individuals affected with DCHS1-related conditions. ClinVar contains an entry for this variant (Variation ID: 2702305). Invitae Evidence Modeling of protein sequence and biophysical properties (such as structural, functional, and spatial information, amino acid conservation, physicochemical variation, residue mobility, and thermodynamic stability) indicates that this missense variant is not expected to disrupt DCHS1 protein function with a negative predictive value of 80%. In summary, the available evidence is currently insufficient to determine the role of this variant in disease. Therefore, it has been classified as a Variant of Uncertain Significance.

PreventionGenetics, part of Exact Sciences
Classification: Uncertain significance for DCHS1-related condition. Last evaluated: 2025-07-11. Review status: criteria provided, single submitter. Criteria: ACMG Guidelines, 2015. Collection method: clinical testing. Allele origin: germline.
Comment: The DCHS1 c.6208C>T variant is predicted to result in the amino acid substitution p.Arg2070Trp. To our knowledge, this variant has not been reported in the literature. This variant is reported in 0.016% of alleles in individuals of African descent in gnomAD. At this time, the clinical significance of this variant is uncertain due to the absence of conclusive functional and genetic evidence.

NM_003737.4(DCHS1):c.6208C>T (p.Arg2070Trp)

Gene: DCHS1 (dachsous cadherin-related 1; minus strand). Cytogenetic location: 11p15.4.
Variant type: single nucleotide variant.
Coding change: c.6208C>T on transcript NM_003737.4 (MANE Select); coding-DNA position 6208, C replaced by T.
Protein change: p.Arg2070Trp; replaces arginine 2070 with tryptophan.
Molecular consequence: missense variant.
Genome position (GRCh38, 1-based): chr11:6,626,831, G>A on the plus strand (C>T on the coding strand, the complement: DCHS1 is on the minus strand). VCF-style: chr11-6626831-G-A. GRCh37 (hg19) VCF-style: chr11-6648062-G-A.
Other names: c.6208C>T (NM_003737.3); short protein forms R2070W.
Identifiers: ClinVar variation 2702305 (VCV002702305.4), dbSNP rs187538545, ClinGen allele CA5859940.